The following is an entry in ClinVar:

ClinVar aggregate classification (germline): Conflicting classifications of pathogenicity. Review status: criteria provided, conflicting classifications (1 of 4 stars). 2 submissions from 2 submitters: Uncertain significance (1); Likely benign (1). Last evaluated 2025-07-03.

Conditions:
Idiopathic Pulmonary Fibrosis. Also called: Idiopathic fibrosing alveolitis, chronic form; idiopathic fibrosing alveolitis. Identifiers: Orphanet 2032, MedGen C1800706, MeSH D054990, MONDO:0800504.
Dyskeratosis congenita, autosomal dominant 2. Identifiers: MedGen C3151443, MONDO:0013521, OMIM 613989.
Dyskeratosis congenita. Identifiers: Orphanet 1775, MedGen C0265965, MONDO:0015780.

Allele frequency attached by ClinVar (database versions not stated): gnomAD exomes 0.00001.
gnomAD v4.1: 3 of 1,574,764 alleles (0.00019%); highest among the groups gnomAD compares: East Asian, 0.0046%; no homozygotes.

Submissions (2):

Ambry Genetics
Classification: Uncertain significance for Dyskeratosis congenita. Last evaluated: 2025-07-03. Review status: criteria provided, single submitter. Criteria: Ambry Variant Classification Scheme 2023. Collection method: clinical testing. Allele origin: germline.
Comment: The p.G398R variant (also known as c.1192G>C), located in coding exon 2 of the TERT gene, results from a G to C substitution at nucleotide position 1192. The glycine at codon 398 is replaced by arginine, an amino acid with dissimilar properties. This amino acid position is conserved. In addition, this alteration is predicted to be tolerated by in silico analysis. Based on the available evidence, the clinical significance of this variant remains unclear.

Labcorp Genetics (formerly Invitae), Labcorp
Classification: Likely benign for Dyskeratosis congenita, autosomal dominant 2; Idiopathic Pulmonary Fibrosis. Last evaluated: 2022-08-09. Review status: criteria provided, single submitter. Criteria: Invitae Variant Classification Sherloc (09022015). Collection method: clinical testing. Allele origin: germline.

NM_198253.3(TERT):c.1192G>C (p.Gly398Arg)

Gene: TERT (telomerase reverse transcriptase; minus strand). Cytogenetic location: 5p15.33.
Variant type: single nucleotide variant.
Coding change: c.1192G>C on transcript NM_198253.3 (MANE Select); coding-DNA position 1192, G replaced by C.
Protein change: p.Gly398Arg; replaces glycine 398 with arginine.
Molecular consequence: missense variant. On other transcripts: non-coding transcript variant (2).
Genome position (GRCh38, 1-based): chr5:1,293,694, C>G on the plus strand (G>C on the coding strand, the complement: TERT is on the minus strand). VCF-style: chr5-1293694-C-G. GRCh37 (hg19) VCF-style: chr5-1293809-C-G.
Other names: c.1192G>C, p.Gly398Arg (NM_001193376.3); c.1192G>C (NM_198253.2); short protein forms G398R.
Identifiers: ClinVar variation 1019758 (VCV001019758.10), dbSNP rs1413910260, ClinGen allele CA359086593.